The following continues an entry in ClinVar:

NM_007294.4(BRCA1):c.4868C>G (p.Ala1623Gly)

Gene: BRCA1. ClinVar aggregate classification (germline): Pathogenic/Likely pathogenic. Pathogenic (9); Likely pathogenic (6).

Submissions 9 to 20 of 20:

GeneDx
Classification: Likely pathogenic. Last evaluated: 2021-03-23. Review status: criteria provided, single submitter. Criteria: GeneDx Variant Classification Process June 2021. Collection method: clinical testing. Allele origin: germline. Affected: yes.
Comment: Observed in individuals with personal or family history of BRCA1-related cancers, segregating with disease in at least one family (Adem 2003, Evans 2008, Alsop 2012, Chiang 2012, Senter 2014, Plaskocinska 2016, Delgado-Balderas 2018); Published studies demonstrate a damaging effect on splicing: results in a deletion of 119 nucleotides leading to a frameshift (Walker 2010, Byers 2016, Wai 2020); Multifactorial studies report 31:1 odds in favor of causality (Easton 2007); Not observed at a significant frequency in large population cohorts (Lek 2016); While protein-based in silico analysis supports that this missense variant does not alter protein structure/function, splice predictors support a deleterious effect; Also known as 4987C>G; This variant is associated with the following publications: (PMID: 12491499, 25782689, 20513136, 30646163, 29922827, 30212499, 17924331, 22711857, 23210696, 26913838, 27273131, 26681312, 18312450, 23725378, 26052229, 20167696, 28781887, 27208206, 29997359, 29936257, 28726806, 28152038, 29446198, 30322717, 30765603, 31911673, 32123317, 31409081, 31447099, 32322110, 33087888)

Quest Diagnostics Nichols Institute San Juan Capistrano
Classification: Pathogenic. Last evaluated: 2021-03-01. Review status: criteria provided, single submitter. Criteria: Quest Diagnostics criteria. Collection method: clinical testing. Allele origin: unknown.
Comment: The variant has been reported in individuals with hereditary breast and/or ovarian cancer in the published literature (PMID: 31869745 (2020), 29446198 (2018), 23210696 (2012), and 12491499 (2003)). In addition, this variant has been shown to aberrantly affect splicing leading to a truncated protein (PMID: 27273131 (2016) and 20513136 (2010)) and is described as a deleterious variant in a multi-factorial study (PMID 17924331 (2007)). Based on the available information, this variant is classified as pathogenic.

Women's Health and Genetics/Laboratory Corporation of America, LabCorp
Classification: Pathogenic for Hereditary breast and ovarian cancer syndrome. Last evaluated: 2020-07-06. Review status: criteria provided, single submitter. Criteria: LabCorp Variant Classification Summary - May 2015. Collection method: clinical testing. Allele origin: germline. Inheritance: Autosomal dominant inheritance.
Comment: Variant summary: BRCA1 c.4868C>G (p.Ala1623Gly) results in a non-conservative amino acid change located in the breast cancer cluster region (BCCR) of the encoded protein sequence. Four of five in-silico tools predict a benign effect of the variant on protein function. However, several computational tools predict a significant impact on normal splicing: four predict the variant creates a cryptic exonic 5' donor site. This prediction has been confirmed by studies using patient derived lymphocyte mRNA that has demonstrated the variant to result in a 119 bp deletion from exon 16, leading to a truncated protein (Walker 2010, Byers 2016) (ACMG PS3). The variant had an incomplete effect on splicing, as the full length product coding for the missense protein was also detected, although in a minor fraction of the transcripts (Walker 2010). The variant allele was found at a frequency of 4.0e-06 in 251384 control chromosomes (gnomAD exomes) indicating that this is a rare variant (ACMG PM2). c.4868C>G has been reported in the literature in several affected individuals from unrelated families with a history of early onset breast and/or ovarian cancer (ranging from 39-59 in our ascertainment) (example, Adem 2002, Evans 2008, Alsop 2012, Chiang 2012, Senter 2014, Susswein 2015, Byers 2016, de Jonge 2018, Rebbeck 2018, Delgado-Balderas 2018, Gallardo-Rincon 2020). Based on the population data and the number of reported patients, the prevalence of the variant in affected individuals is significantly increased (ACMG PS4). In addition, multifactorial probability models, performing systematic assessments of BRCA variants, which included analysis of personal and family history of cancer, tumor pathology, co-occurrence in trans with known deleterious mutations and co-segregation with disease in pedigrees, predicted this variant to be likely deleterious (Easton 2007); and when the spliceogenic effect of the variant was also taken into account, this variant was predicted to be clearly pathogenic (posterior probability of pathogenicity: 0.999; Vallee 2016). These data indicate that the variant is very likely to be associated with disease. An in vitro study, examining the protein level effects of this missense change, demonstrated that the missense variant had comparable activity to the wild type in a transcriptional activation assay (Woods 2016); however, since authors used the BRCA1 cDNA sequence cloned into their vectors for mutagenesis, these data only represent the protein level effects of the missense change. Therefore, in light of the strong spliceogenic effect, this finding does not reflect the overall consequence of the variant. Ten clinical diagnostic laboratories have submitted clinical-significance assessments for this variant to ClinVar after 2014 without evidence for independent evaluation. All laboratories classified the variant as pathogenic (n=4) / likely pathogenic (n=6). Therefore, the community consensus seems to be converging on a pathological outcome for this variant. This variant was previously classified conservatively as a VUS-possibly pathogenic awaiting additional co-segregation in large families and functional evidence of the altered splice variant at the protein level. Based on the evidence outlined above, and further supported by ACMG guidelines (ACMG PM2, PS3 and PS4), the variant was classified as pathogenic.

Revvity Omics, Revvity
Classification: Likely pathogenic. Last evaluated: 2019-01-17. Review status: criteria provided, single submitter. Criteria: ACMG Guidelines, 2015. Collection method: clinical testing. Allele origin: germline.

Laboratory for Molecular Medicine, Mass General Brigham Personalized Medicine
Classification: Likely pathogenic for Hereditary breast ovarian cancer syndrome. Last evaluated: 2017-07-20. Review status: criteria provided, single submitter. Criteria: LMM Criteria. Collection method: clinical testing. Allele origin: germline. Inheritance: Autosomal dominant inheritance. Observed: 1 variant allele.
Comment: The p.Ala1623Gly variant in BRCA1 has been reported in >10 individuals with BRCA 1-associated cancers (Adem 2003, Easton 2007, Evans 2008, Walker 2010, Alsop 201 2, Chiang 2012, Breast Cancer Information Core (BIC) database). This variant has been identified in 1/11578 Latino chromosomes by the Exome Aggregation Consorti um (ExAC; dbSNP rs80356862) and has been reporte d in ClinVar (Variation ID: 37614). Computational prediction tools and conservat ion analysis suggest that this variant may not impact the protein; however, RNA analysis from affected individuals show that the p.Ala1623Gly variant causes a d eletion of 119 nucleotides in a fraction of transcripts Walker 2010). In summary , although additional studies are required to fully establish its clinical signi ficance, the p.Ala1623Gly variant is likely pathogenic. ACMG/AMP Criteria applie d: PS4, PM2, PS3_Supporting.

Cancer Genetics and Genomics Laboratory, British Columbia Cancer Agency
Classification: Pathogenic for Hereditary breast ovarian cancer syndrome. Last evaluated: 2017-04-18. Review status: criteria provided, single submitter. Criteria: ACMG Guidelines, 2015. Collection method: clinical testing. Allele origin: germline. Study: The Canadian Open Genetics Repository (COGR).

Consortium of Investigators of Modifiers of BRCA1/2 (CIMBA), c/o University of Cambridge
Classification: Pathogenic for Breast-ovarian cancer, familial, susceptibility to, 1. Last evaluated: 2015-10-02. Review status: criteria provided, single submitter. Criteria: CIMBA Mutation Classification guidelines May 2016. Collection method: clinical testing. Allele origin: germline.

Counsyl
Classification: Likely pathogenic for Breast-ovarian cancer, familial 1. Last evaluated: 2015-02-05. Review status: no assertion criteria provided. Collection method: literature only. Allele origin: unknown. Inheritance: Autosomal dominant inheritance. Not counted in ClinVar's aggregate classification.

Research Molecular Genetics Laboratory, Women's College Hospital, University of Toronto
Classification: Uncertain significance. Last evaluated: 2014-01-31. Review status: no assertion criteria provided. Collection method: research. Allele origin: germline. Affected: yes. Study: The Canadian Open Genetics Repository (COGR). Not counted in ClinVar's aggregate classification.

Sharing Clinical Reports Project (SCRP)
Classification: Pathogenic for Breast-ovarian cancer, familial 1. Last evaluated: 2012-02-24. Review status: no assertion criteria provided. Collection method: clinical testing. Allele origin: germline. Not counted in ClinVar's aggregate classification.

Breast Cancer Information Core (BIC) (BRCA1)
Classification: Uncertain significance for Breast-ovarian cancer, familial 1. Last evaluated: 2002-05-29. Review status: no assertion criteria provided. Collection method: clinical testing. Allele origin: germline. Affected: yes. Observed: 9 variant alleles. Not counted in ClinVar's aggregate classification.

Department of Pathology and Laboratory Medicine, Sinai Health System
Classification: Likely pathogenic for Malignant tumor of breast. Review status: no assertion criteria provided. Collection method: clinical testing. Allele origin: unknown. Affected: yes. Study: The Canadian Open Genetics Repository (COGR). Not counted in ClinVar's aggregate classification.
Comment: The variant was identified in dbSNP (ID: rs80356862) â€šÃ„ÃºWith Pathogenic alleleâ€šÃ„Ã¹; Exome Aggregation Consortium database (August 8, 2016) in 1 of 121410 chromosomes (freq. 0.000008237) in the following populations: Latino in 1 of 11578 chromosomes (freq. 0.00008637), but was not seen in African, East Asian, European (Finnish), European (Non-Finnish), South Asian and Other populations, although this low number of observations and low frequency is not substantive enough to determine the prevalence of the variant in the general population and its relationship to disease; ClinVar and Clinvitae database with conflicting interpretations of pathogenicity (likely pathogenic by GeneDx and Counsyl; uncertain significance by Invitae and BIC; pathogenic by Ambry Genetics); Fanconi Anemia Mutation Database (LOVD) 2X; BRCA Share UMD Mutations Database (6X as causal); BIC database (9X with unknown clinical importance); The p.Ala1623 residue is not conserved in mammals and computational analyses (PolyPhen-2, SIFT, AlignGVGD, BLOSUM, MutationTaster) do not suggest a high likelihood of impact to the protein; however, this information is not predictive enough to rule out pathogenicity. The variant occurs outside of the splicing consensus sequence and 4 of 5 in silico or computational prediction software programs (SpliceSiteFinder, MaxEntScan, NNSPLICE, GeneSplicer, HumanSpliceFinder) predict the creation of a 5â€šÃ„Ã´ splice site. However, this information is not predictive enough to assume pathogenicity. In studies using three independent measures in the assessment of previously classified VUS variants: co-occurrence in trans of a VUS with known deleterious mutations; detailed analysis, by logistic regression, of personal and family history of cancer in VUS-carrying probands; and, in a subset of probands, an analysis of co-segregation with disease in pedigrees, the variant was determined with Odds of greater than 20:1 in Favor of Causality (Easton 2007). RT-PCR analysis identified a major splicing aberration for c.4868C>G (p.Ala1623Gly), resulting in an 119bp deletion from exon 16, and creating an aberrant splice product encoding a truncated protein. This resulted in elevated levels of an alternative mRNA isoform. Both wild-type and variant allele for BRCA1 c.4868C>G (p.Ala1623Gly) was present in subject samples from the UK and Australia (Walker 2010).rnIn summary, based on the above information, the clinical significance of this variant cannot be determined with certainty at this time although we would lean towards a more pathogenic role for this variant. This variant is classified as likely pathogenic.

Literature cited by the submitters: PubMed 12491499 (cited by 8 submitters); PubMed 18312450 (cited by 6 submitters); PubMed 22711857 (cited by 7 submitters); PubMed 23210696 (cited by 6 submitters); PubMed 26681312 (cited by 4 submitters); PubMed 27208206 (cited by 4 submitters); PubMed 29997359 (cited by 3 submitters); PubMed 20513136 (cited by 9 submitters); PubMed 27273131 (cited by 5 submitters); PubMed 32123317 (cited by 4 submitters); PubMed 16685647 (cited by Color Diagnostics, LLC DBA Color Health and Counsyl); PubMed 26052229 (cited by 3 submitters); PubMed 26913838 (cited by 4 submitters); PubMed 31869745 (cited by 6 submitters); PubMed 17924331 (cited by 5 submitters); PubMed 29446198 (cited by 5 submitters); PubMed 34413315 (cited by Mayo Clinic Laboratories, Mayo Clinic); PubMed 36169650 (cited by Mayo Clinic Laboratories, Mayo Clinic); PubMed 30322717 (cited by Sema4); PubMed 33471991 (cited by Sema4); PubMed 30765603 (cited by Sema4); PubMed 28781887 (cited by Quest Diagnostics Nichols Institute San Juan Capistrano and Women's Health and Genetics/Laboratory Corporation of America, LabCorp); PubMed 31911673 (cited by Women's Health and Genetics/Laboratory Corporation of America, LabCorp); PubMed 23725378 (cited by Women's Health and Genetics/Laboratory Corporation of America, LabCorp and Counsyl); PubMed 29936257 (cited by Women's Health and Genetics/Laboratory Corporation of America, LabCorp); PubMed 20167696 (cited by Counsyl).